The following is an entry in ClinVar:

NM_002691.4(POLD1):c.2953+1G>T

Gene: POLD1 (DNA polymerase delta 1, catalytic subunit; plus strand). Cytogenetic location: 19q13.33.
Variant type: single nucleotide variant.
Coding change: c.2953+1G>T on transcript NM_002691.4 (MANE Select); the canonical splice donor site of the intron after coding-DNA position 2953, G replaced by T.
Molecular consequence: splice donor variant.
Genome position (GRCh38, 1-based): chr19:50,416,529, G>T. VCF-style: chr19-50416529-G-T. GRCh37 (hg19) VCF-style: chr19-50919786-G-T.
Other names: c.2953+1G>T (NM_001256849.1); c.3031+1G>T (NM_001308632.1).
Identifiers: ClinVar variation 3617910 (VCV003617910.2).

ClinVar aggregate classification (germline): Uncertain significance (1 of 4 stars; one submission).

Conditions:
POLD1-related polyposis and colorectal cancer syndrome (CRCS10). Also called: Colorectal cancer 10; COLORECTAL CANCER, SUSCEPTIBILITY TO, ON CHROMOSOME 19q; Colorectal cancer, susceptibility to, 10. Identifiers: Orphanet 220460, MedGen C2675481, MONDO:0012953, OMIM 612591.

Submission:

Labcorp Genetics (formerly Invitae), Labcorp
Classification: Uncertain significance for POLD1-related polyposis and colorectal cancer syndrome. Last evaluated: 2024-10-29. Review status: criteria provided, single submitter. Criteria: Invitae Variant Classification Sherloc (09022015). Collection method: clinical testing. Allele origin: germline.
Comment: This sequence change affects a donor splice site in intron 23 of the POLD1 gene. It is expected to disrupt RNA splicing. Variants that disrupt the donor or acceptor splice site typically lead to a loss of protein function (PMID: 16199547), however the current clinical and genetic evidence is not sufficient to establish whether loss-of-function variants in POLD1 cause disease. This variant is not present in population databases (gnomAD no frequency). This variant has not been reported in the literature in individuals affected with POLD1-related conditions. Algorithms developed to predict the effect of sequence changes on RNA splicing suggest that this variant may disrupt the consensus splice site. In summary, the available evidence is currently insufficient to determine the role of this variant in disease. Therefore, it has been classified as a Variant of Uncertain Significance.

Literature cited by the submitters: PubMed 16199547.